The following is an entry in ClinVar:

ClinVar aggregate classification (germline): Uncertain significance. Review status: criteria provided, multiple submitters, no conflicts (2 of 4 stars). 2 submissions from 2 submitters: Uncertain significance (2). Last evaluated 2024-05-20.

Conditions:
Hypertrophic cardiomyopathy. Also called: HYPERTROPHIC MYOCARDIOPATHY. Identifiers: Orphanet 217569, MedGen C0007194, MeSH D002312, MONDO:0005045, HP:0001639.

Submissions (2):

Labcorp Genetics (formerly Invitae), Labcorp
Classification: Uncertain significance for Hypertrophic cardiomyopathy. Last evaluated: 2024-05-20. Review status: criteria provided, single submitter. Criteria: Invitae Variant Classification Sherloc (09022015). Collection method: clinical testing. Allele origin: germline.
Comment: This sequence change replaces lysine, which is basic and polar, with arginine, which is basic and polar, at codon 178 of the TNNI3 protein (p.Lys178Arg). This variant is not present in population databases (gnomAD no frequency). This missense change has been observed in individual(s) with dilated cardiomyopathy (PMID: 33019804). ClinVar contains an entry for this variant (Variation ID: 842266). An algorithm developed to predict the effect of missense changes on protein structure and function (PolyPhen-2) suggests that this variant is likely to be disruptive. This variant disrupts the p.Lys178 amino acid residue in TNNI3. Other variant(s) that disrupt this residue have been determined to be pathogenic (PMID: 12531876, 27532257, 29907873). This suggests that this residue is clinically significant, and that variants that disrupt this residue are likely to be disease-causing. In summary, the available evidence is currently insufficient to determine the role of this variant in disease. Therefore, it has been classified as a Variant of Uncertain Significance.

GeneDx
Classification: Uncertain significance. Last evaluated: 2019-04-30. Review status: criteria provided, single submitter. Criteria: GeneDx Variant Classification Process June 2021. Collection method: clinical testing. Allele origin: germline. Affected: yes.
Comment: Has not been previously published as pathogenic or benign to our knowledge; Not observed in large population cohorts (Lek et al., 2016); In silico analysis, which includes protein predictors and evolutionary conservation, supports a deleterious effect; This variant is associated with the following publications: (PMID: 33019804)

Literature cited by the submitters: PubMed 33019804 (cited by Labcorp Genetics (formerly Invitae), Labcorp); PubMed 12531876 (cited by Labcorp Genetics (formerly Invitae), Labcorp); PubMed 27532257 (cited by Labcorp Genetics (formerly Invitae), Labcorp); PubMed 29907873 (cited by Labcorp Genetics (formerly Invitae), Labcorp).

NM_000363.5(TNNI3):c.533A>G (p.Lys178Arg)

Gene: TNNI3 (troponin I3, cardiac type; minus strand). Cytogenetic location: 19q13.42.
Variant type: single nucleotide variant.
Coding change: c.533A>G on transcript NM_000363.5 (MANE Select); coding-DNA position 533, A replaced by G.
Protein change: p.Lys178Arg; replaces lysine 178 with arginine.
Molecular consequence: missense variant.
Genome position (GRCh38, 1-based): chr19:55,154,046, T>C on the plus strand (A>G on the coding strand, the complement: TNNI3 is on the minus strand). VCF-style: chr19-55154046-T-C. GRCh37 (hg19) VCF-style: chr19-55665414-T-C.
Other names: short protein forms K178R.
Identifiers: ClinVar variation 842266 (VCV000842266.11), dbSNP rs2085711157, ClinGen allele CA407440249.
Genomic context (GRCh38, chr19:55,154,046, plus strand): 5'-CCTTCCCCTCAGCATCCTCTTTCCTGGCCTTAGCCCACACTCACCTTCTCGGTGTCCTCC[T>C]TCTTCACCTGCTTGAGGTGGGCCCGCAGGTCCAGGGACTCCTTAGCCCGGGCCCCCAGCA-3'
Protein context (NP_000354.4, residues 168-188): DLRAHLKQVK[Lys178Arg]EDTEKENREV